The following is an entry in ClinVar:

NM_020937.4(FANCM):c.1295C>T (p.Ser432Phe)

Gene: FANCM (FA complementation group M; plus strand). Cytogenetic location: 14q21.2.
Variant type: single nucleotide variant.
Coding change: c.1295C>T on transcript NM_020937.4 (MANE Select); coding-DNA position 1295, C replaced by T.
Protein change: p.Ser432Phe; replaces serine 432 with phenylalanine.
Molecular consequence: missense variant.
Genome position (GRCh38, 1-based): chr14:45,154,808, C>T. VCF-style: chr14-45154808-C-T. GRCh37 (hg19) VCF-style: chr14-45624011-C-T.
Other names: c.1295C>T (NM_020937.2); c.1217C>T, p.Ser406Phe (NM_001308133.2); c.1295C>T, p.Ser432Phe (NM_001308134.2); short protein forms S432F, S406F.
Identifiers: ClinVar variation 1036042 (VCV001036042.8), dbSNP rs149379175, ClinGen allele CA259616570.
Genomic context (GRCh38, chr14:45,154,808, plus strand): 5'-TCTATAATCATCTAGAGTGTATGTTTGCACGTACACGTAGTACTTCAGCAAATGGTATTT[C>T]TGCTATCCAACAAGGTCTGGTTTTTCTTTTAAAATTATGTATTGTGTTGTGTTTCTTAAT-3'
Protein context (NP_065988.1, residues 422-442): RTRSTSANGI[Ser432Phe]AIQQGDKNKK

ClinVar aggregate classification (germline): Uncertain significance. Review status: criteria provided, multiple submitters, no conflicts (2 of 4 stars). 2 submissions from 2 submitters: Uncertain significance (2). Last evaluated 2025-09-22.

Conditions:
Fanconi anemia (FA). Also called: Fanconi's anemia. Identifiers: Orphanet 84, MedGen C0015625, MeSH D005199, MONDO:0019391.
Inborn genetic diseases. Identifiers: MedGen C0950123, MeSH D030342.

Allele frequency attached by ClinVar (database versions not stated): ESP Exome Variant Server 0.00008.
gnomAD v4.1: 2 of 1,607,816 alleles (0.00012%); highest among the groups gnomAD compares: Non-Finnish European, 0.00017%; no homozygotes.

Submissions (2):

Ambry Genetics
Classification: Uncertain significance for Inborn genetic diseases. Last evaluated: 2025-09-22. Review status: criteria provided, single submitter. Criteria: Ambry Variant Classification Scheme 2023. Collection method: clinical testing. Allele origin: germline.

Labcorp Genetics (formerly Invitae), Labcorp
Classification: Uncertain significance for Fanconi anemia. Last evaluated: 2022-02-19. Review status: criteria provided, single submitter. Criteria: Invitae Variant Classification Sherloc (09022015). Collection method: clinical testing. Allele origin: germline.
Comment: In summary, the available evidence is currently insufficient to determine the role of this variant in disease. Therefore, it has been classified as a Variant of Uncertain Significance. Algorithms developed to predict the effect of sequence changes on RNA splicing suggest that this variant may create or strengthen a splice site. Algorithms developed to predict the effect of missense changes on protein structure and function are either unavailable or do not agree on the potential impact of this missense change (SIFT: "Deleterious"; PolyPhen-2: "Benign"; Align-GVGD: "Class C0"). ClinVar contains an entry for this variant (Variation ID: 1036042). This variant has not been reported in the literature in individuals affected with FANCM-related conditions. This variant is not present in population databases (gnomAD no frequency). This sequence change replaces serine, which is neutral and polar, with phenylalanine, which is neutral and non-polar, at codon 432 of the FANCM protein (p.Ser432Phe).